The following is an entry in ClinVar:

NM_000113.3(TOR1A):c.406T>C (p.Leu136=)

Gene: TOR1A (torsin family 1 member A; minus strand). Cytogenetic location: 9q34.11.
Variant type: single nucleotide variant.
Coding change: c.406T>C on transcript NM_000113.3 (MANE Select); coding-DNA position 406, T replaced by C.
Protein change: p.Leu136=; no amino-acid change (leucine 136 retained).
Molecular consequence: synonymous variant.
Genome position (GRCh38, 1-based): chr9:129,822,619, A>G on the plus strand (T>C on the coding strand, the complement: TOR1A is on the minus strand). VCF-style: chr9-129822619-A-G. GRCh37 (hg19) VCF-style: chr9-132584898-A-G.
Identifiers: ClinVar variation 2659576 (VCV002659576.24), dbSNP rs750414624, ClinGen allele CA5278693.

ClinVar aggregate classification (germline): Likely benign (1 of 4 stars; one submission).

Allele frequency attached by ClinVar (database versions not stated): gnomAD exomes below 0.00001; gnomAD 0.00001; ExAC 0.00002; TOPMed 0.00002.
gnomAD v4.1: 10 of 1,614,076 alleles (0.00062%); highest among the groups gnomAD compares: African/African-American, 0.004%; no homozygotes.

Submission:

CeGaT Center for Human Genetics Tuebingen
Classification: Likely benign. Last evaluated: 2022-04-01. Review status: criteria provided, single submitter. Criteria: CeGaT Center For Human Genetics Tuebingen Variant Classification Criteria Version 2. Collection method: clinical testing. Allele origin: germline. Affected: yes. Observed: 1 variant allele.
Comment: TOR1A: BP4, BP7